The following is an entry in ClinVar:

NM_006939.4(SOS2):c.115T>A (p.Ser39Thr)

Gene: SOS2 (SOS Ras/Rho guanine nucleotide exchange factor 2; minus strand). Cytogenetic location: 14q21.3.
Variant type: single nucleotide variant.
Coding change: c.115T>A on transcript NM_006939.4 (MANE Select); coding-DNA position 115, T replaced by A.
Protein change: p.Ser39Thr; replaces serine 39 with threonine.
Molecular consequence: missense variant.
Genome position (GRCh38, 1-based): chr14:50,204,382, A>T on the plus strand (T>A on the coding strand, the complement: SOS2 is on the minus strand). VCF-style: chr14-50204382-A-T. GRCh37 (hg19) VCF-style: chr14-50671100-A-T.
Other names: short protein forms S39T.
Identifiers: ClinVar variation 1371449 (VCV001371449.6), dbSNP rs2139796314, ClinGen allele CA389651456.

ClinVar aggregate classification (germline): Uncertain significance (1 of 4 stars; one submission).

Conditions:
Noonan syndrome 9 (NS9). Identifiers: Orphanet 648, MedGen C4225282, MONDO:0014691, OMIM 616559.

Allele frequency attached by ClinVar (database versions not stated): gnomAD exomes below 0.00001.
gnomAD v4.1: 1 of 1,581,230 alleles (0.000063%); highest among the groups gnomAD compares: Non-Finnish European, 0.000086%; no homozygotes.

Submission:

Labcorp Genetics (formerly Invitae), Labcorp
Classification: Uncertain significance for Noonan syndrome 9. Last evaluated: 2021-12-02. Review status: criteria provided, single submitter. Criteria: Invitae Variant Classification Sherloc (09022015). Collection method: clinical testing. Allele origin: germline.
Comment: In summary, the available evidence is currently insufficient to determine the role of this variant in disease. Therefore, it has been classified as a Variant of Uncertain Significance. Advanced modeling of protein sequence and biophysical properties (such as structural, functional, and spatial information, amino acid conservation, physicochemical variation, residue mobility, and thermodynamic stability) performed at Invitae indicates that this missense variant is not expected to disrupt SOS2 protein function. This variant has not been reported in the literature in individuals affected with SOS2-related conditions. This variant is not present in population databases (gnomAD no frequency). This sequence change replaces serine, which is neutral and polar, with threonine, which is neutral and polar, at codon 39 of the SOS2 protein (p.Ser39Thr).